The following is an entry in ClinVar:

ClinVar aggregate classification (germline): Uncertain significance. Review status: criteria provided, single submitter (1 of 4 stars). 2 submissions from 2 submitters: Uncertain significance (1). 1 of the submissions does not count toward it. Last evaluated 2015-08-26.

Conditions:
DNAH5-related disorder. Also called: DNAH5-related condition.
Primary ciliary dyskinesia. Also called: Ciliary dyskinesia. Identifiers: Orphanet 244, MedGen C0008780, MONDO:0016575, HP:0012265.

Allele frequency attached by ClinVar (database versions not stated): gnomAD exomes below 0.00001; gnomAD 0.00003; TOPMed 0.00003.
gnomAD v4.1: 13 of 1,614,114 alleles (0.00081%); highest among the groups gnomAD compares: African/African-American, 0.0093%; no homozygotes.

Submissions (2):

Ambry Genetics
Classification: Uncertain significance for Primary ciliary dyskinesia. Last evaluated: 2015-08-26. Review status: criteria provided, single submitter. Criteria: Ambry Variant Classification Scheme 2023. Collection method: clinical testing. Allele origin: germline.
Comment: The p.S988F variant (also known as c.2963C>T), located in coding exon 19 of the DNAH5 gene, results from a C to T substitution at nucleotide position 2963. The serine at codon 988 is replaced by phenylalanine, an amino acid with highly dissimilar properties. This variant was not reported in population based cohorts in the following databases: Database of Single Nucleotide Polymorphisms (dbSNP), NHLBI Exome Sequencing Project (ESP), and 1000 Genomes Project. In the ESP, this variant was not observed in 6503 samples (13006 alleles) with coverage at this position. This amino acid position is well conserved in available vertebrate species. In addition, this alteration is predicted to be tolerated by in silico analysis. Since supporting evidence is limited at this time, the clinical significance of this variant remains unclear.

PreventionGenetics, part of Exact Sciences
Classification: Uncertain significance for DNAH5-related condition. Last evaluated: 2024-07-27. Review status: no assertion criteria provided. Collection method: clinical testing. Allele origin: germline. Not counted in ClinVar's aggregate classification.
Comment: The DNAH5 c.2963C>T variant is predicted to result in the amino acid substitution p.Ser988Phe. To our knowledge, this variant has not been reported in the literature or in a large population database, indicating this variant is rare. At this time, the clinical significance of this variant is uncertain due to the absence of conclusive functional and genetic evidence.

NM_001369.3(DNAH5):c.2963C>T (p.Ser988Phe)

Genes: DNAH5 (dynein axonemal heavy chain 5; minus strand), DNAH5-AS1 (DNAH5 antisense RNA 1; plus strand). Cytogenetic location: 5p15.2.
Variant type: single nucleotide variant.
Coding change: c.2963C>T on transcript NM_001369.3 (MANE Select); coding-DNA position 2963, C replaced by T.
Protein change: p.Ser988Phe; replaces serine 988 with phenylalanine.
Molecular consequence: missense variant.
Genome position (GRCh38, 1-based): chr5:13,885,009, G>A on the plus strand (C>T on the coding strand, the complement: DNAH5 is on the minus strand). VCF-style: chr5-13885009-G-A. GRCh37 (hg19) VCF-style: chr5-13885118-G-A.
Other names: short protein forms S988F.
Identifiers: ClinVar variation 1798188 (VCV001798188.3), dbSNP rs1040668411, ClinGen allele CA113932678.